The following is an entry in ClinVar:

NM_152419.3(HGSNAT):c.453T>C (p.Cys151=)

Gene: HGSNAT (heparan-alpha-glucosaminide N-acetyltransferase; plus strand). Cytogenetic location: 8p11.21.
Variant type: single nucleotide variant.
Coding change: c.453T>C on transcript NM_152419.3 (MANE Select); coding-DNA position 453, T replaced by C.
Protein change: p.Cys151=; no amino-acid change (cysteine 151 retained).
Molecular consequence: synonymous variant. On other transcripts: 5 prime UTR variant (1).
Genome position (GRCh38, 1-based): chr8:43,159,004, T>C. VCF-style: chr8-43159004-T-C. GRCh37 (hg19) VCF-style: chr8-43014147-T-C.
Other names: c.453T>C (NM_152419.2); c.453T>C, p.Cys151= (NM_001363227.2, NM_001363228.2); c.-381T>C (NM_001363229.2).
Identifiers: ClinVar variation 1158833 (VCV001158833.8), dbSNP rs763777880, ClinGen allele CA4736509.

ClinVar aggregate classification (germline): Likely benign. Review status: criteria provided, multiple submitters, no conflicts (2 of 4 stars). 2 submissions from 2 submitters: Likely benign (2). Last evaluated 2026-02-01.

Conditions:
Mucopolysaccharidosis, MPS-III-C (MPS3C). Also called: MPS III C; Mucopolysaccharidosis type IIIC (Sanfilippo C); SANFILIPPO SYNDROME C; MUCOPOLYSACCHARIDOSIS, TYPE IIIC; mucopolysaccharidosis type 3C; MPS IIIC (Sanfilippo Syndrome Type C). Identifiers: Orphanet 581, Orphanet 79271, MedGen C0086649, MONDO:0009657, OMIM 252930.
Retinitis pigmentosa 73 (RP73). Identifiers: Orphanet 791, MedGen C4225287, MONDO:0014687, OMIM 616544.
HGSNAT-related disorder. Also called: HGSNAT-related condition.

Allele frequency attached by ClinVar (database versions not stated): ExAC 0.00001; gnomAD exomes 0.00002; gnomAD 0.00001.
gnomAD v4.1: 24 of 1,613,704 alleles (0.0015%); highest among the groups gnomAD compares: Non-Finnish European, 0.0019%; no homozygotes.

Submissions (2):

Labcorp Genetics (formerly Invitae), Labcorp
Classification: Likely benign for Retinitis pigmentosa 73; Mucopolysaccharidosis, MPS-III-C. Last evaluated: 2026-02-01. Review status: criteria provided, single submitter. Criteria: Invitae Variant Classification Sherloc (09022015). Collection method: clinical testing. Allele origin: germline.

PreventionGenetics, part of Exact Sciences
Classification: Likely benign for HGSNAT-related condition. Last evaluated: 2025-12-12. Review status: criteria provided, single submitter. Criteria: ACMG Guidelines, 2015. Collection method: clinical testing. Allele origin: germline.
Comment: This variant is classified as likely benign based on ACMG/AMP sequence variant interpretation guidelines (Richards et al. 2015 PMID: 25741868, with internal and published modifications).